The following is an entry in ClinVar:

NM_000186.4(CFH):c.3503T>C (p.Val1168Ala)

Gene: CFH (complement factor H; plus strand). Cytogenetic location: 1q31.3.
Variant type: single nucleotide variant.
Coding change: c.3503T>C on transcript NM_000186.4 (MANE Select); coding-DNA position 3503, T replaced by C.
Protein change: p.Val1168Ala; replaces valine 1168 with alanine.
Molecular consequence: missense variant.
Genome position (GRCh38, 1-based): chr1:196,747,120, T>C. VCF-style: chr1-196747120-T-C. GRCh37 (hg19) VCF-style: chr1-196716250-T-C.
Other names: short protein forms V1168A.
Identifiers: ClinVar variation 4291591 (VCV004291591.1).
Genomic context (GRCh38, chr1:196,747,120, plus strand): 5'-GAAGATTTGCATACTACTTAATGTTTTATGTTTACTGTTTTTTATTTTCAGATCCGTGTG[T>C]AATATCCCGAGAAATTATGGAAAATTATAACATAGCATTAAGGTGGACAGCCAAACAGAA-3'
Protein context (NP_000177.2, residues 1158-1178): SEPPKCLHPC[Val1168Ala]ISREIMENYN

ClinVar aggregate classification (germline): Uncertain significance (1 of 4 stars; one submission).

Conditions:
Atypical hemolytic-uremic syndrome. Identifiers: Orphanet 2134, MedGen C2931788, MONDO:0016244.
Basal laminar drusen. Also called: DRUSEN OF BRUCH MEMBRANE; DRUSEN, CUTICULAR; DRUSEN, EARLY ADULT-ONSET, GROUPED. Identifiers: Orphanet 75376, MedGen C0730295, MONDO:0007472, OMIM 126700.
Factor H deficiency (CFHD). Also called: COMPLEMENT FACTOR H DEFICIENCY; CFH DEFICIENCY. Identifiers: Orphanet 200421, MedGen C0398777, MONDO:0012350, OMIM 609814.
Age related macular degeneration 4. Identifiers: MedGen C1853147, MONDO:0012540, OMIM 610698.

Submission:

Genomenon, Inc
Classification: Uncertain significance for Basal laminar drusen; Age related macular degeneration 4; Atypical hemolytic-uremic syndrome; Factor H deficiency. Last evaluated: 2025-10-02. Review status: criteria provided, single submitter. Criteria: Genomenon Sequence Variant Interpretation Standards - Updated. Collection method: curation. Allele origin: germline. Affected: no.
Comment: CFH p.Val1168Ala (c.3503T>C) is a missense variant that changes the amino acid at residue 1168 from Valine to Alanine. This variant has been reported in the published literature (PMID:34189567). It is absent or not present at a significant frequency in gnomAD. In silico models agree that this variant is not damaging. In conclusion, we classify CFH p.Val1168Ala (c.3503T>C) as a variant of uncertain significance.

Literature cited by the submitters: PubMed 34189567.